The following is an entry in ClinVar:

NM_001042492.3(NF1):c.7190-10_7190-3delinsCTTTTGG

Gene: NF1 (neurofibromin 1; plus strand). Cytogenetic location: 17q11.2.
Variant type: Indel.
Coding change: c.7190-10_7190-3delinsCTTTTGG on transcript NM_001042492.3 (MANE Select); 10 bases into the intron before coding-DNA position 7190 through 3 bases into the intron before coding-DNA position 7190, TTTTTTGT replaced by CTTTTGG.
Molecular consequence: intron variant.
Genome position (GRCh38, 1-based): chr17:31,349,110-31,349,117, TTTTTTGT replaced by CTTTTGG. VCF-style: chr17-31349110-TTTTTTGT-CTTTTGG. GRCh37 (hg19) VCF-style: chr17-29676128-TTTTTTGT-CTTTTGG.
Other names: c.7127-10_7127-3delinsCTTTTGG (NM_000267.4).
Identifiers: ClinVar variation 1315641 (VCV001315641.2), dbSNP rs2151572443, ClinGen allele CA2573054401.

ClinVar aggregate classification (germline): Uncertain significance (1 of 4 stars; one submission).

Submission:

GeneDx
Classification: Uncertain significance. Last evaluated: 2019-04-10. Review status: criteria provided, single submitter. Criteria: GeneDx Variant Classification Process June 2021. Collection method: clinical testing. Allele origin: germline. Affected: yes.
Comment: Not observed in large population cohorts (Lek et al., 2016); In silico analysis, which includes splice predictors and evolutionary conservation, supports a deleterious effect; Has not been previously published as pathogenic or benign to our knowledge